The following is an entry in ClinVar:

ClinVar aggregate classification (germline): Benign. Review status: criteria provided, multiple submitters, no conflicts (2 of 4 stars). 6 submissions from 6 submitters: Benign (6). Last evaluated 2021-11-29.

Conditions:
Inborn genetic diseases. Identifiers: MedGen C0950123, MeSH D030342.
Nicolaides-Baraitser syndrome (NCBRS). Also called: SMARCA2-Related Nicolaides-Baraitser Syndrome; Intellectual disability-sparse hair-brachydactyly syndrome. Identifiers: Orphanet 3051, MedGen C1303073, MONDO:0011053, OMIM 601358.

Allele frequency attached by ClinVar (database versions not stated): gnomAD 0.13094 and 0.13219; 1000 Genomes Project 30x 0.15756; ESP Exome Variant Server 0.11221; TOPMed 0.14755; ExAC 0.10684; gnomAD exomes 0.11451; 1000 Genomes Project 0.15296.
gnomAD v4.1: 151,019 of 1,547,988 alleles (9.8%); highest among the groups gnomAD compares: Admixed American, 23%; 8,722 homozygotes.

Submissions (6):

Mayo Clinic Laboratories, Mayo Clinic
Classification: Benign. Last evaluated: 2021-11-29. Review status: criteria provided, single submitter. Criteria: ACMG Guidelines, 2015. Collection method: clinical testing. Allele origin: germline. Observed: 70 variant alleles.

GeneDx
Classification: Benign. Last evaluated: 2018-07-03. Review status: criteria provided, single submitter. Criteria: GeneDx Variant Classification Process June 2021. Collection method: clinical testing. Allele origin: germline. Affected: yes.

Illumina Laboratory Services, Illumina
Classification: Benign for Nicolaides-Baraitser syndrome. Last evaluated: 2018-01-12. Review status: criteria provided, single submitter. Criteria: ICSL Variant Classification Criteria 13 December 2019. Collection method: clinical testing. Allele origin: germline.
Comment: This variant was observed in the ICSL laboratory as part of a predisposition screen in an ostensibly healthy population. It had not been previously curated by ICSL or reported in the Human Gene Mutation Database (HGMD: prior to June 1st, 2018), and was therefore a candidate for classification through an automated scoring system. Utilizing variant allele frequency, disease prevalence and penetrance estimates, and inheritance mode, an automated score was calculated to assess if this variant is too frequent to cause the disease. Based on the score and internal cut-off values, a variant classified as benign is not then subjected to further curation. The score for this variant resulted in a classification of benign for this disease.

Ambry Genetics
Classification: Benign for Inborn genetic diseases. Last evaluated: 2016-03-24. Review status: criteria provided, single submitter. Criteria: Ambry Variant Classification Scheme 2023. Collection method: clinical testing. Allele origin: germline.

Genetic Services Laboratory, University of Chicago
Classification: Benign for AllHighlyPenetrant. Last evaluated: 2013-08-15. Review status: criteria provided, single submitter. Criteria: ACMG Guidelines, 2007. Collection method: clinical testing. Allele origin: germline. Inheritance: Autosomal dominant inheritance. Observed: 1 variant allele.

Breakthrough Genomics
Classification: Benign. Review status: criteria provided, single submitter. Criteria: ACMG Guidelines, 2015. Collection method: not provided. Allele origin: germline. Inheritance: Autosomal dominant inheritance. Affected: yes.

NM_003070.5(SMARCA2):c.-5G>A

Gene: SMARCA2 (SWI/SNF related BAF chromatin remodeling complex subunit ATPase 2; plus strand). Cytogenetic location: 9p24.3.
Variant type: single nucleotide variant.
Coding change: c.-5G>A on transcript NM_003070.5 (MANE Select); 5 bases upstream of the start codon, G replaced by A.
Molecular consequence: 5 prime UTR variant.
Genome position (GRCh38, 1-based): chr9:2,029,018, G>A. VCF-style: chr9-2029018-G-A. GRCh37 (hg19) VCF-style: chr9-2029018-G-A.
Other names: c.-5G>A (NM_001289396.2, NM_001289397.2, NM_139045.4).
Identifiers: ClinVar variation 126341 (VCV000126341.18), dbSNP rs10964468, ClinGen allele CA151078.